The following is an entry in ClinVar:

ClinVar aggregate classification (germline): Likely benign (1 of 4 stars; one submission).

gnomAD v4.1: 262 of 1,525,114 alleles (0.017%); highest among the groups gnomAD compares: Non-Finnish European, 0.018%; 1 homozygote.

Submission:

CeGaT Center for Human Genetics Tuebingen
Classification: Likely benign. Last evaluated: 2025-02-01. Review status: criteria provided, single submitter. Criteria: CeGaT Center For Human Genetics Tuebingen Variant Classification Criteria Version 2. Collection method: clinical testing. Allele origin: germline. Affected: yes. Observed: 1 variant allele.
Comment: SASS6: BP4

NM_194292.3(SASS6):c.670-4A>G

Gene: SASS6 (SAS-6 centriolar assembly protein; minus strand). Cytogenetic location: 1p21.2.
Variant type: single nucleotide variant.
Coding change: c.670-4A>G on transcript NM_194292.3 (MANE Select); 4 bases into the intron before coding-DNA position 670, A replaced by G.
Molecular consequence: intron variant.
Genome position (GRCh38, 1-based): chr1:100,110,487, T>C on the plus strand (A>G on the coding strand, the complement: SASS6 is on the minus strand). VCF-style: chr1-100110487-T-C. GRCh37 (hg19) VCF-style: chr1-100576043-T-C.
Other names: c.169-4A>G (NM_001304829.2).
Identifiers: ClinVar variation 3770926 (VCV003770926.13).